The following is an entry in ClinVar:

ClinVar aggregate classification (germline): Likely benign (0 of 4 stars; one submission).

Conditions:
A2M-related disorder. Also called: A2M-related condition.

Allele frequency attached by ClinVar (database versions not stated): TOPMed 0.00013; 1000 Genomes Project 30x 0.00016; 1000 Genomes Project 0.00020; gnomAD exomes 0.00024; gnomAD 0.00029; ExAC 0.00046.
gnomAD v4.1: 395 of 1,613,934 alleles (0.024%); highest among the groups gnomAD compares: East Asian, 0.28%; 1 homozygote.

Submission:

PreventionGenetics, part of Exact Sciences
Classification: Likely benign for A2M-related condition. Last evaluated: 2022-02-15. Review status: no assertion criteria provided. Collection method: clinical testing. Allele origin: germline.
Comment: This variant is classified as likely benign based on ACMG/AMP sequence variant interpretation guidelines (Richards et al. 2015 PMID: 25741868, with internal and published modifications).

NM_000014.6(A2M):c.3494A>G (p.Glu1165Gly)

Genes: A2M (alpha-2-macroglobulin; minus strand), KLRG1 (killer cell lectin like receptor G1; plus strand). Cytogenetic location: 12p13.31.
Variant type: single nucleotide variant.
Coding change: c.3494A>G on transcript NM_000014.6 (MANE Select); coding-DNA position 3494, A replaced by G.
Protein change: p.Glu1165Gly; replaces glutamic acid 1165 with glycine.
Molecular consequence: missense variant.
Genome position (GRCh38, 1-based): chr12:9,076,794, T>C on the plus strand (A>G on the coding strand, the complement: A2M is on the minus strand). VCF-style: chr12-9076794-T-C. GRCh37 (hg19) VCF-style: chr12-9229390-T-C.
Other names: c.3494A>G, p.Glu1165Gly (NM_001347423.2); c.3194A>G, p.Glu1065Gly (NM_001347424.2); c.3044A>G, p.Glu1015Gly (NM_001347425.2); short protein forms E1015G, E1065G, E1165G.
Identifiers: ClinVar variation 3058150 (VCV003058150.2), dbSNP rs200419261, ClinGen allele CA6438106.
Genomic context (GRCh38, chr12:9,076,794, plus strand): 5'-AGGATCTCAGGTGTGCTCTCACCTTTCTTCACAGCTTCCTCATTAAGTGACTTGAGTACT[T>C]CCTTCCTCTTGTCCTGGTTACCTGCCAGGGCAAAAGCATAGGCCAGCAGTGCTTTGGTAT-3'
Protein context (NP_000005.3, residues 1155-1175): ALAGNQDKRK[Glu1165Gly]VLKSLNEEAV